The following is an entry in ClinVar:

ClinVar aggregate classification (germline): Uncertain significance (1 of 4 stars; one submission).

Submission:

Labcorp Genetics (formerly Invitae), Labcorp
Classification: Uncertain significance. Last evaluated: 2024-03-29. Review status: criteria provided, single submitter. Criteria: Invitae Variant Classification Sherloc (09022015). Collection method: clinical testing. Allele origin: germline.
Comment: This sequence change replaces isoleucine, which is neutral and non-polar, with methionine, which is neutral and non-polar, at codon 451 of the LRP6 protein (p.Ile451Met). This variant is not present in population databases (gnomAD no frequency). This variant has not been reported in the literature in individuals affected with LRP6-related conditions. Advanced modeling of protein sequence and biophysical properties (such as structural, functional, and spatial information, amino acid conservation, physicochemical variation, residue mobility, and thermodynamic stability) performed at Invitae indicates that this missense variant is expected to disrupt LRP6 protein function with a positive predictive value of 80%. In summary, the available evidence is currently insufficient to determine the role of this variant in disease. Therefore, it has been classified as a Variant of Uncertain Significance.

NM_002336.3(LRP6):c.1353T>G (p.Ile451Met)

Gene: LRP6 (LDL receptor related protein 6; minus strand). Cytogenetic location: 12p13.2.
Variant type: single nucleotide variant.
Coding change: c.1353T>G on transcript NM_002336.3 (MANE Select); coding-DNA position 1353, T replaced by G.
Protein change: p.Ile451Met; replaces isoleucine 451 with methionine.
Molecular consequence: missense variant. On other transcripts: non-coding transcript variant (1).
Genome position (GRCh38, 1-based): chr12:12,181,063, A>C on the plus strand (T>G on the coding strand, the complement: LRP6 is on the minus strand). VCF-style: chr12-12181063-A-C. GRCh37 (hg19) VCF-style: chr12-12333997-A-C.
Other names: c.1353T>G, p.Ile451Met (NM_001414244.1, NM_001414245.1, NM_001414246.1 and 5 more transcripts); c.1155T>G, p.Ile385Met (NM_001414247.1); c.900T>G, p.Ile300Met (NM_001414252.1, NM_001414253.1, NM_001414254.1); short protein forms I385M, I300M, I451M.
Identifiers: ClinVar variation 3681127 (VCV003681127.2).